The following is an entry in ClinVar:

ClinVar aggregate classification (germline): Conflicting classifications of pathogenicity. Review status: criteria provided, conflicting classifications (1 of 4 stars). 6 submissions from 6 submitters: Uncertain significance (1); Benign (2); Likely benign (3). Last evaluated 2026-02-03.

Conditions:
Malignant hyperthermia, susceptibility to, 1 (MHS1). Also called: Malignant hyperthermia suceptibility 1; Anesthesia related hyperthermia; Malignant hyperpyrexia; Fulminating hyperpyrexia; Pharmacogenic myopathy; RYR1-Related Malignant Hyperthermia Susceptibility. Identifiers: Orphanet 423, MedGen C2930980, MONDO:0007783, OMIM 145600.
RYR1-related disorder. Also called: RYR1-related condition; RYR1-related disorders. Identifiers: MedGen CN239331.

Allele frequency attached by ClinVar (database versions not stated): gnomAD exomes 0.00004 and 0.00011; ExAC 0.00012; 1000 Genomes Project 30x 0.00016; gnomAD 0.00025 and 0.00029; TOPMed 0.00032; ESP Exome Variant Server 0.00062.
gnomAD v4.1: 91 of 1,613,640 alleles (0.0056%); highest among the groups gnomAD compares: African/African-American, 0.11%; no homozygotes.

Submissions (6):

Labcorp Genetics (formerly Invitae), Labcorp
Classification: Likely benign for RYR1-related disorder. Last evaluated: 2026-02-03. Review status: criteria provided, single submitter. Criteria: Invitae Variant Classification Sherloc (09022015). Collection method: clinical testing. Allele origin: germline.

PreventionGenetics, part of Exact Sciences
Classification: Likely benign for RYR1-related condition. Last evaluated: 2025-11-20. Review status: criteria provided, single submitter. Criteria: ACMG Guidelines, 2015. Collection method: clinical testing. Allele origin: germline.
Comment: This variant is classified as likely benign based on ACMG/AMP sequence variant interpretation guidelines (Richards et al. 2015 PMID: 25741868, with internal and published modifications).

All of Us Research Program, National Institutes of Health
Classification: Benign for Malignant hyperthermia, susceptibility to, 1. Last evaluated: 2024-02-05. Review status: criteria provided, single submitter. Criteria: ACMG Guidelines, 2015. Collection method: clinical testing. Allele origin: germline. Inheritance: Autosomal dominant inheritance. Observed: 18 variant alleles, 18 heterozygotes.
Comment: This study involves interpretation of variants in research participants for the purpose of population health screening. Participant phenotype was not available at the time of variant classification. Additional details can be found in publication PMID: 35346344, PMCID: PMC8962531

CeGaT Center for Human Genetics Tuebingen
Classification: Likely benign. Last evaluated: 2023-04-01. Review status: criteria provided, single submitter. Criteria: CeGaT Center For Human Genetics Tuebingen Variant Classification Criteria Version 2. Collection method: clinical testing. Allele origin: germline. Affected: yes. Observed: 1 variant allele.
Comment: RYR1: BP4, BP7

Color Diagnostics, LLC DBA Color Health
Classification: Benign for Malignant hyperthermia, susceptibility to, 1. Last evaluated: 2022-10-03. Review status: criteria provided, single submitter. Criteria: ACMG Guidelines, 2015. Collection method: clinical testing. Allele origin: germline.

Eurofins Ntd Llc (ga)
Classification: Uncertain significance. Last evaluated: 2017-02-09. Review status: criteria provided, single submitter. Criteria: EGL Classification Definitions 2015. Collection method: clinical testing. Allele origin: germline. Observed: 1 variant allele, 1 heterozygote.

NM_000540.3(RYR1):c.5235G>A (p.Thr1745=)

Gene: RYR1 (ryanodine receptor 1; plus strand). Cytogenetic location: 19q13.2.
Variant type: single nucleotide variant.
Coding change: c.5235G>A on transcript NM_000540.3 (MANE Select); coding-DNA position 5235, G replaced by A.
Protein change: p.Thr1745=; no amino-acid change (threonine 1745 retained).
Molecular consequence: synonymous variant.
Genome position (GRCh38, 1-based): chr19:38,485,890, G>A. VCF-style: chr19-38485890-G-A. GRCh37 (hg19) VCF-style: chr19-38976530-G-A.
Other names: c.5235G>A, p.Thr1745= (NM_001042723.2).
Identifiers: ClinVar variation 500419 (VCV000500419.45), dbSNP rs149471411, ClinGen allele CA066790.
Genomic context (GRCh38, chr19:38,485,890, plus strand): 5'-CCGCCGCTCCATGCTCTCTGAATACATCGTGCCCCTCACGCCTGAGACCCGCGCCATCAC[G>A]CTCTTCCCTCCTGGAAGGAGCACAGAAAATGGTCACCCCCGGCATGGCCTGCCGGGAGTT-3'
Protein context (NP_000531.2, residues 1735-1755): VPLTPETRAI[Thr1745=]LFPPGRSTEN